The following is an entry in ClinVar:

NM_001267550.2(TTN):c.51919G>T (p.Glu17307Ter)

Genes: TTN-AS1 (TTN antisense RNA 1; plus strand), TTN (titin; minus strand). Cytogenetic location: 2q31.2.
Variant type: single nucleotide variant.
Coding change: c.51919G>T on transcript NM_001267550.2 (MANE Select); coding-DNA position 51919, G replaced by T.
Protein change: p.Glu17307Ter; replaces glutamic acid 17307 with a stop codon.
Molecular consequence: nonsense.
Genome position (GRCh38, 1-based): chr2:178,609,391, C>A on the plus strand (G>T on the coding strand, the complement: TTN is on the minus strand). VCF-style: chr2-178609391-C-A. GRCh37 (hg19) VCF-style: chr2-179474118-C-A.
Other names: c.46996G>T, p.Glu15666Ter (NM_001256850.1); c.24724G>T, p.Glu8242Ter (NM_003319.4); c.44215G>T, p.Glu14739Ter (NM_133378.4); c.25099G>T, p.Glu8367Ter (NM_133432.3); c.25300G>T, p.Glu8434Ter (NM_133437.4); short protein forms E15666*, E8242*, E8367*, E14739*, E17307*, E8434*.
Identifiers: ClinVar variation 1477622 (VCV001477622.6), dbSNP rs2154198436, ClinGen allele CA349579233.
Genomic context (GRCh38, chr2:178,609,391, plus strand): 5'-TGTTGTCAATACTCAAACGCTGTGTCAGAGGCAGGACAAATGGTTCTTCTTCTTGAACTT[C>A]ACCCTTCCTTCTCCTAACCAAGGGTGCTGCACGCTTCTTAATTTCCTCTGGTACAATAAC-3'

ClinVar aggregate classification (germline): Likely pathogenic (1 of 4 stars; one submission).

Conditions:
Dilated cardiomyopathy 1G (CMD1G). Identifiers: Orphanet 154, MedGen C1858763, MONDO:0011400, OMIM 604145.
Autosomal recessive limb-girdle muscular dystrophy type 2J (LGMDR10). Also called: MUSCULAR DYSTROPHY, LIMB-GIRDLE, AUTOSOMAL RECESSIVE 10; Limb-girdle muscular dystrophy, type 2J. Identifiers: Orphanet 140922, MedGen C1837342, MONDO:0012127, OMIM 608807.

Submission:

Labcorp Genetics (formerly Invitae), Labcorp
Classification: Likely pathogenic for Dilated cardiomyopathy 1G; Autosomal recessive limb-girdle muscular dystrophy type 2J. Last evaluated: 2022-08-24. Review status: criteria provided, single submitter. Criteria: Invitae Variant Classification Sherloc (09022015). Collection method: clinical testing. Allele origin: germline.
Comment: In summary, the currently available evidence indicates that the variant is pathogenic, but additional data are needed to prove that conclusively. Therefore, this variant has been classified as Likely Pathogenic. This variant is located in the A band of TTN (PMID: 25589632). Truncating variants in this region are significantly overrepresented in patients affected with dilated cardiomyopathy (PMID: 25589632). Truncating variants in this region have also been reported in individuals affected with autosomal recessive centronuclear myopathy (PMID: 23975875). ClinVar contains an entry for this variant (Variation ID: 1477622). This variant has not been reported in the literature in individuals affected with TTN-related conditions. This variant is not present in population databases (gnomAD no frequency). This sequence change creates a premature translational stop signal (p.Glu17307*) in the TTN gene. While this is not anticipated to result in nonsense mediated decay, it is expected to create a truncated TTN protein.

Literature cited by the submitters: PubMed 25589632; PubMed 23975875.